The following is an entry in ClinVar:

ClinVar aggregate classification (germline): Likely benign (0 of 4 stars; one submission).

Conditions:
SDCCAG8-related disorder. Also called: SDCCAG8-Related Disorders; SDCCAG8-related condition.

gnomAD v4.1: 2 of 1,583,260 alleles (0.00013%); highest among the groups gnomAD compares: Non-Finnish European, 0.00017%; no homozygotes.

Submission:

PreventionGenetics, part of Exact Sciences
Classification: Likely benign for SDCCAG8-related condition. Last evaluated: 2020-07-02. Review status: no assertion criteria provided. Collection method: clinical testing. Allele origin: germline.
Comment: This variant is classified as likely benign based on ACMG/AMP sequence variant interpretation guidelines (Richards et al. 2015 PMID: 25741868, with internal and published modifications).

NM_006642.5(SDCCAG8):c.306+6T>C

Gene: SDCCAG8 (SHH signaling and ciliogenesis regulator SDCCAG8; plus strand). Cytogenetic location: 1q43.
Variant type: single nucleotide variant.
Coding change: c.306+6T>C on transcript NM_006642.5 (MANE Select); 6 bases into the intron after coding-DNA position 306, T replaced by C.
Molecular consequence: intron variant.
Genome position (GRCh38, 1-based): chr1:243,271,069, T>C. VCF-style: chr1-243271069-T-C. GRCh37 (hg19) VCF-style: chr1-243434371-T-C.
Other names: c.12+6T>C (NM_001350249.2); c.-1068+6T>C (NM_001350251.2); c.306+6T>C (NM_001350248.2); c.-807+6T>C (NM_001350246.2); c.-695+6T>C (NM_001350247.2).
Identifiers: ClinVar variation 3352102 (VCV003352102.1).